The following is an entry in ClinVar:

NM_007294.4(BRCA1):c.32_35del (p.Val11fs)

Gene: BRCA1 (BRCA1 DNA repair associated; minus strand). Cytogenetic location: 17q21.31.
Variant type: Deletion.
Coding change: c.32_35del on transcript NM_007294.4 (MANE Select); coding-DNA positions 32 to 35, 4 bases deleted (TACA; older notation c.32_35delTACA).
Protein change: p.Val11fs; shifts the reading frame from valine 11.
Molecular consequence: frameshift variant. On other transcripts: 5 prime UTR variant (1), non-coding transcript variant (1).
Genome position (GRCh38, 1-based): chr17:43,124,062-43,124,065, TGTA deleted on the plus strand (TACA on the coding strand, the reverse complement: BRCA1 is on the minus strand). VCF-style (leftmost placement, unchanged base first): chr17-43124061-TTGTA-T. GRCh37 (hg19) VCF-style: chr17-41276078-TTGTA-T.
Other names: c.-157_-154delTACA (NM_001407571.1, NM_001407853.1, NM_001407879.1 and 46 more transcripts); c.32_35delTACA, p.Val11Glufs (NM_001407581.1, NM_001407582.1, NM_001407583.1 and 191 more transcripts); c.-226_-223delTACA (NM_001407694.1, NM_001407724.1, NM_001407727.1 and 11 more transcripts); c.-230_-227delTACA (NM_001407695.1, NM_001408465.1); c.-371_-368delTACA (NM_001407696.1); c.-255_-252delTACA (NM_001407697.1, NM_001407846.1, NM_001407920.1); c.-56_-53delTACA (NM_001407698.1, NM_001407732.1, NM_001407736.1 and 22 more transcripts); c.-229_-226delTACA (NM_001407725.1, NM_001407730.1, NM_001407734.1 and 22 more transcripts); and 10 more; short protein forms V11fs.
Identifiers: ClinVar variation 1993517 (VCV001993517.4), dbSNP rs2552278982, ClinGen allele CA2580093976.

ClinVar aggregate classification (germline): Pathogenic (1 of 4 stars; one submission).

Conditions:
Hereditary breast ovarian cancer syndrome. Also called: BRCA1- and BRCA2-Associated Hereditary Breast and Ovarian Cancer; Hereditary breast and ovarian cancer; Hereditary breast and ovarian cancer syndrome (HBOC); Hereditary breast and/or ovarian cancer syndrome; Hereditary breast and ovarian cancer syndrome; Breast and ovarian cancer. Identifiers: Orphanet 145, MedGen C0677776, MeSH D061325, MONDO:0003582. Disease mechanism: loss of function.

Submission:

Labcorp Genetics (formerly Invitae), Labcorp
Classification: Pathogenic for Hereditary breast ovarian cancer syndrome. Last evaluated: 2022-05-12. Review status: criteria provided, single submitter. Criteria: Invitae Variant Classification Sherloc (09022015). Collection method: clinical testing. Allele origin: germline.
Comment: For these reasons, this variant has been classified as Pathogenic. This variant has not been reported in the literature in individuals affected with BRCA1-related conditions. This variant is not present in population databases (gnomAD no frequency). This sequence change creates a premature translational stop signal (p.Val11Glufs*11) in the BRCA1 gene. It is expected to result in an absent or disrupted protein product. Loss-of-function variants in BRCA1 are known to be pathogenic (PMID: 20104584).

Literature cited by the submitters: PubMed 20104584.